The following is an entry in ClinVar:

ClinVar aggregate classification (germline): Benign. Review status: criteria provided, multiple submitters, no conflicts (2 of 4 stars). 6 submissions from 6 submitters: Benign (5). 1 of the submissions does not count toward it. Last evaluated 2026-02-04.

Conditions:
Microcephalic primordial dwarfism due to RTTN deficiency (MSSP). Also called: Microcephaly, short stature, and polymicrogyria with or without seizures; MICROCEPHALY, SHORT STATURE, AND POLYMICROGYRIA. Identifiers: Orphanet 468631, MedGen C3553831, MONDO:0018764, OMIM 614833.

Allele frequency attached by ClinVar (database versions not stated): gnomAD exomes 0.19101 and 0.20045; ExAC 0.19185; 1000 Genomes Project 30x 0.15381; TOPMed 0.16210; gnomAD 0.16509 and 0.16737; ESP Exome Variant Server 0.16945; 1000 Genomes Project 0.15236.
gnomAD v4.1: 318,613 of 1,612,234 alleles (20%); highest among the groups gnomAD compares: Middle Eastern, 41%; 32,809 homozygotes.

Submissions (6):

Labcorp Genetics (formerly Invitae), Labcorp
Classification: Benign. Last evaluated: 2026-02-04. Review status: criteria provided, single submitter. Criteria: Invitae Variant Classification Sherloc (09022015). Collection method: clinical testing. Allele origin: germline.

Genome-Nilou Lab
Classification: Benign for Microcephalic primordial dwarfism due to RTTN deficiency. Last evaluated: 2021-05-18. Review status: criteria provided, single submitter. Criteria: ACMG Guidelines, 2015. Collection method: clinical testing. Allele origin: germline. Affected: no.

Laboratory for Molecular Medicine, Mass General Brigham Personalized Medicine
Classification: Benign. Last evaluated: 2016-03-29. Review status: criteria provided, single submitter. Criteria: LMM Criteria. Collection method: clinical testing. Allele origin: germline.
Comment: Variant identified in a genome or exome case(s) and assessed due to predicted null impact of the variant or pathogenic assertions in the literature or databases. Disclaimer: This variant has not undergone full assessment. The following are preliminary notes: Frequency

GeneDx
Classification: Benign. Last evaluated: 2016-01-14. Review status: criteria provided, single submitter. Criteria: GeneDx Variant Classification (06012015). Collection method: clinical testing. Allele origin: germline. Affected: yes.
Comment: This variant is considered likely benign or benign based on one or more of the following criteria: it is a conservative change, it occurs at a poorly conserved position in the protein, it is predicted to be benign by multiple in silico algorithms, and/or has population frequency not consistent with disease.

Breakthrough Genomics
Classification: Benign. Review status: criteria provided, single submitter. Criteria: ACMG Guidelines, 2015. Collection method: not provided. Allele origin: germline. Inheritance: Autosomal recessive inheritance. Affected: yes.

Genetic Services Laboratory, University of Chicago
Classification: Likely benign for AllHighlyPenetrant. Review status: no assertion criteria provided. Collection method: clinical testing. Allele origin: germline. Inheritance: Autosomal recessive inheritance. Not counted in ClinVar's aggregate classification.
Comment: Likely benign based on allele frequency in 1000 Genomes Project or ESP global frequency and its presence in a patient with a rare or unrelated disease phenotype. NOT Sanger confirmed.

NM_173630.4(RTTN):c.6144A>G (p.Val2048=)

Gene: RTTN (rotatin; minus strand). Cytogenetic location: 18q22.2.
Variant type: single nucleotide variant.
Coding change: c.6144A>G on transcript NM_173630.4 (MANE Select); coding-DNA position 6144, A replaced by G.
Protein change: p.Val2048=; no amino-acid change (valine 2048 retained).
Molecular consequence: synonymous variant.
Genome position (GRCh38, 1-based): chr18:70,020,624, T>C on the plus strand (A>G on the coding strand, the complement: RTTN is on the minus strand). VCF-style: chr18-70020624-T-C. GRCh37 (hg19) VCF-style: chr18-67687860-T-C.
Other names: c.3408A>G, p.Val1136= (NM_001318520.2).
Identifiers: ClinVar variation 130191 (VCV000130191.20), dbSNP rs2304378, ClinGen allele CA155024.